The following is an entry in ClinVar:

NM_005591.4(MRE11):c.578T>C (p.Phe193Ser)

Gene: MRE11 (MRE11 double strand break repair nuclease; minus strand). Cytogenetic location: 11q21.
Variant type: single nucleotide variant.
Coding change: c.578T>C on transcript NM_005591.4 (MANE Select); coding-DNA position 578, T replaced by C.
Protein change: p.Phe193Ser; replaces phenylalanine 193 with serine.
Molecular consequence: missense variant.
Genome position (GRCh38, 1-based): chr11:94,476,370, A>G on the plus strand (T>C on the coding strand, the complement: MRE11 is on the minus strand). VCF-style: chr11-94476370-A-G. GRCh37 (hg19) VCF-style: chr11-94209536-A-G.
Other names: c.578T>C, p.Phe193Ser (NM_001330347.2, NM_005590.4); short protein forms F193S.
Identifiers: ClinVar variation 3912892 (VCV003912892.1).

ClinVar aggregate classification (germline): Uncertain significance (1 of 4 stars; one submission).

Conditions:
Hereditary cancer-predisposing syndrome. Also called: Hereditary Cancer Syndrome; Hereditary neoplastic syndrome; Neoplastic Syndromes, Hereditary; Tumor predisposition. Identifiers: Orphanet 140162, MedGen C0027672, MeSH D009386, MONDO:0015356.

Submission:

Ambry Genetics
Classification: Uncertain significance for Hereditary cancer-predisposing syndrome. Last evaluated: 2025-06-02. Review status: criteria provided, single submitter. Criteria: Ambry Variant Classification Scheme 2023. Collection method: clinical testing. Allele origin: germline.
Comment: The p.F193S variant (also known as c.578T>C), located in coding exon 6 of the MRE11A gene, results from a T to C substitution at nucleotide position 578. The phenylalanine at codon 193 is replaced by serine, an amino acid with highly dissimilar properties. This amino acid position is conserved. In addition, this alteration is predicted to be deleterious by in silico analysis. Based on the available evidence, the clinical significance of this variant remains unclear.